The following is an entry in ClinVar:

NM_001378964.1(CDON):c.2230C>T (p.Arg744Trp)

Gene: CDON (cell adhesion associated, oncogene regulated; minus strand). Cytogenetic location: 11q24.2.
Variant type: single nucleotide variant.
Coding change: c.2230C>T on transcript NM_001378964.1 (MANE Select); coding-DNA position 2230, C replaced by T.
Protein change: p.Arg744Trp; replaces arginine 744 with tryptophan.
Molecular consequence: missense variant.
Genome position (GRCh38, 1-based): chr11:125,997,339, G>A on the plus strand (C>T on the coding strand, the complement: CDON is on the minus strand). VCF-style: chr11-125997339-G-A. GRCh37 (hg19) VCF-style: chr11-125867234-G-A.
Other names: c.2230C>T, p.Arg744Trp (NM_001243597.3, NM_016952.6); short protein forms R744W.
Identifiers: ClinVar variation 1393777 (VCV001393777.8), dbSNP rs953453508, ClinGen allele CA230528488.

ClinVar aggregate classification (germline): Uncertain significance (1 of 4 stars; one submission).

Conditions:
Holoprosencephaly 11 (HPE11). Identifiers: Orphanet 2162, MedGen C3280215, MONDO:0013642, OMIM 614226.

Allele frequency attached by ClinVar (database versions not stated): gnomAD 0.00001 and 0.00002; gnomAD exomes 0.00001; TOPMed 0.00002.
gnomAD v4.1: 8 of 1,613,870 alleles (0.0005%); highest among the groups gnomAD compares: East Asian, 0.0022%; no homozygotes.

Submission:

Labcorp Genetics (formerly Invitae), Labcorp
Classification: Uncertain significance for Holoprosencephaly 11. Last evaluated: 2021-06-19. Review status: criteria provided, single submitter. Criteria: Invitae Variant Classification Sherloc (09022015). Collection method: clinical testing. Allele origin: germline.
Comment: This sequence change replaces arginine with tryptophan at codon 744 of the CDON protein (p.Arg744Trp). The arginine residue is highly conserved and there is a moderate physicochemical difference between arginine and tryptophan. In summary, the available evidence is currently insufficient to determine the role of this variant in disease. Therefore, it has been classified as a Variant of Uncertain Significance. Algorithms developed to predict the effect of missense changes on protein structure and function (SIFT, PolyPhen-2, Align-GVGD) all suggest that this variant is likely to be disruptive, but these predictions have not been confirmed by published functional studies and their clinical significance is uncertain. This variant has not been reported in the literature in individuals with CDON-related conditions. This variant is not present in population databases (ExAC no frequency).